The following is an entry in ClinVar:

NM_006059.4(LAMC3):c.4415G>A (p.Arg1472Gln)

Gene: LAMC3 (laminin subunit gamma 3; plus strand). Cytogenetic location: 9q34.12.
Variant type: single nucleotide variant.
Coding change: c.4415G>A on transcript NM_006059.4 (MANE Select); coding-DNA position 4415, G replaced by A.
Protein change: p.Arg1472Gln; replaces arginine 1472 with glutamine.
Molecular consequence: missense variant.
Genome position (GRCh38, 1-based): chr9:131,087,755, G>A. VCF-style: chr9-131087755-G-A. GRCh37 (hg19) VCF-style: chr9-133963142-G-A.
Other names: short protein forms R1472Q.
Identifiers: ClinVar variation 546538 (VCV000546538.9), dbSNP rs137894550, ClinGen allele CA5288175.

ClinVar aggregate classification (germline): Uncertain significance. Review status: criteria provided, multiple submitters, no conflicts (2 of 4 stars). 5 submissions from 5 submitters: Uncertain significance (3). 2 of the submissions do not count toward it. Last evaluated 2024-08-12.

Conditions:
Occipital pachygyria and polymicrogyria. Identifiers: Orphanet 280640, MedGen C3279875, MONDO:0013583, OMIM 614115.

Allele frequency attached by ClinVar (database versions not stated): ESP Exome Variant Server 0.00015; TOPMed 0.00019; gnomAD 0.00028 and 0.00029; ExAC 0.00030; gnomAD exomes 0.00033 and 0.00037.
gnomAD v4.1: 513 of 1,614,164 alleles (0.032%); highest among the groups gnomAD compares: Non-Finnish European, 0.031%; no homozygotes.

Submissions (5):

GeneDx
Classification: Uncertain significance. Last evaluated: 2024-08-12. Review status: criteria provided, single submitter. Criteria: GeneDx Variant Classification Process June 2021. Collection method: clinical testing. Allele origin: germline. Affected: yes.
Comment: Reported with a second LAMC3 variant in a fetus with at least one structural abnormality in published literature; however, no further clinical information was provided (PMID: 30266093); In silico analysis indicates that this missense variant does not alter protein structure/function; This variant is associated with the following publications: (PMID: 33547396, 30266093)

Labcorp Genetics (formerly Invitae), Labcorp
Classification: Uncertain significance. Last evaluated: 2022-10-17. Review status: criteria provided, single submitter. Criteria: Invitae Variant Classification Sherloc (09022015). Collection method: clinical testing. Allele origin: germline.
Comment: This sequence change replaces arginine, which is basic and polar, with glutamine, which is neutral and polar, at codon 1472 of the LAMC3 protein (p.Arg1472Gln). This variant is present in population databases (rs137894550, gnomAD 0.2%). This missense change has been observed in individual(s) with fetal abnormalities (PMID: 30266093). ClinVar contains an entry for this variant (Variation ID: 546538). Algorithms developed to predict the effect of missense changes on protein structure and function output the following: SIFT: "Tolerated"; PolyPhen-2: "Benign"; Align-GVGD: "Class C0". The glutamine amino acid residue is found in multiple mammalian species, which suggests that this missense change does not adversely affect protein function. In summary, the available evidence is currently insufficient to determine the role of this variant in disease. Therefore, it has been classified as a Variant of Uncertain Significance.

Baylor Genetics
Classification: Uncertain significance for Occipital pachygyria and polymicrogyria. Last evaluated: 2019-06-20. Review status: criteria provided, single submitter. Criteria: ACMG Guidelines, 2015. Collection method: clinical testing. Allele origin: unknown. Affected: yes.
Comment: This variant was determined to be of uncertain significance according to ACMG Guidelines, 2015 [PMID:25741868].

Clinical Genetics DNA and cytogenetics Diagnostics Lab, Erasmus MC, Erasmus Medical Center
Classification: Likely benign. Review status: no assertion criteria provided. Collection method: clinical testing. Allele origin: germline. Affected: yes. Study: VKGL Data-share Consensus. Not counted in ClinVar's aggregate classification.

Genome Diagnostics Laboratory, Amsterdam University Medical Center
Classification: Likely benign. Review status: no assertion criteria provided. Collection method: clinical testing. Allele origin: germline. Affected: yes. Study: VKGL Data-share Consensus. Not counted in ClinVar's aggregate classification.

Literature cited by the submitters: PubMed 30266093 (cited by Labcorp Genetics (formerly Invitae), Labcorp).